The following is an entry in ClinVar:

ClinVar aggregate classification (germline): Uncertain significance. Review status: criteria provided, multiple submitters, no conflicts (2 of 4 stars). 2 submissions from 2 submitters: Uncertain significance (2). Last evaluated 2025-08-01.

Conditions:
Hereditary cancer-predisposing syndrome. Also called: Tumor predisposition; Neoplastic Syndromes, Hereditary; Hereditary Cancer Syndrome; Hereditary neoplastic syndrome. Identifiers: Orphanet 140162, MedGen C0027672, MeSH D009386, MONDO:0015356.
Gorlin syndrome. Also called: Nevoid Basal Cell Carcinoma Syndrome; Basal cell nevus syndrome. Identifiers: Orphanet 377, MedGen C0004779, MONDO:0007187.

Allele frequency attached by ClinVar (database versions not stated): gnomAD exomes below 0.00001.
gnomAD v4.1: 1 of 1,614,150 alleles (0.000062%); highest among the groups gnomAD compares: South Asian, 0.0011%; no homozygotes.

Submissions (2):

Ambry Genetics
Classification: Uncertain significance for Hereditary cancer-predisposing syndrome. Last evaluated: 2025-08-01. Review status: criteria provided, single submitter. Criteria: Ambry Variant Classification Scheme 2023. Collection method: clinical testing. Allele origin: germline.
Comment: The p.M363T variant (also known as c.1088T>C), located in coding exon 8 of the PTCH1 gene, results from a T to C substitution at nucleotide position 1088. The methionine at codon 363 is replaced by threonine, an amino acid with similar properties. This amino acid position is well conserved in available vertebrate species. In addition, the in silico prediction for this alteration is inconclusive. Based on the available evidence, the clinical significance of this variant remains unclear.

Labcorp Genetics (formerly Invitae), Labcorp
Classification: Uncertain significance for Gorlin syndrome. Last evaluated: 2022-08-16. Review status: criteria provided, single submitter. Criteria: Invitae Variant Classification Sherloc (09022015). Collection method: clinical testing. Allele origin: germline.
Comment: In summary, the available evidence is currently insufficient to determine the role of this variant in disease. Therefore, it has been classified as a Variant of Uncertain Significance. Advanced modeling of protein sequence and biophysical properties (such as structural, functional, and spatial information, amino acid conservation, physicochemical variation, residue mobility, and thermodynamic stability) performed at Invitae indicates that this missense variant is not expected to disrupt PTCH1 protein function. This variant has not been reported in the literature in individuals affected with PTCH1-related conditions. This variant is not present in population databases (gnomAD no frequency). This sequence change replaces methionine, which is neutral and non-polar, with threonine, which is neutral and polar, at codon 363 of the PTCH1 protein (p.Met363Thr).

NM_000264.5(PTCH1):c.1088T>C (p.Met363Thr)

Gene: PTCH1 (patched 1; minus strand). Cytogenetic location: 9q22.32.
Variant type: single nucleotide variant.
Coding change: c.1088T>C on transcript NM_000264.5 (MANE Select); coding-DNA position 1088, T replaced by C.
Protein change: p.Met363Thr; replaces methionine 363 with threonine.
Molecular consequence: missense variant. On other transcripts: non-coding transcript variant (1).
Genome position (GRCh38, 1-based): chr9:95,479,127, A>G on the plus strand (T>C on the coding strand, the complement: PTCH1 is on the minus strand). VCF-style: chr9-95479127-A-G. GRCh37 (hg19) VCF-style: chr9-98241409-A-G.
Other names: c.890T>C, p.Met297Thr (NM_001083602.3); c.1085T>C, p.Met362Thr (NM_001083603.3); c.635T>C, p.Met212Thr (NM_001083604.3, NM_001083605.3, NM_001083606.3 and 1 more transcripts); c.1088T>C, p.Met363Thr (NM_001354918.2); short protein forms M363T, M212T, M297T, M362T.
Identifiers: ClinVar variation 1788287 (VCV001788287.8), dbSNP rs2538217754, ClinGen allele CA374119501.